The following is an entry in ClinVar:

ClinVar aggregate classification (germline): Pathogenic (1 of 4 stars; one submission).

Conditions:
Developmental and epileptic encephalopathy, 12 (DEE12). Identifiers: MedGen C3150988, MONDO:0013389, OMIM 613722.

Submission:

Labcorp Genetics (formerly Invitae), Labcorp
Classification: Pathogenic for Developmental and epileptic encephalopathy, 12. Last evaluated: 2024-07-23. Review status: criteria provided, single submitter. Criteria: Invitae Variant Classification Sherloc (09022015). Collection method: clinical testing. Allele origin: germline.
Comment: This sequence change creates a premature translational stop signal (p.Glu190Glyfs*56) in the PLCB1 gene. It is expected to result in an absent or disrupted protein product. Loss-of-function variants in PLCB1 are known to be pathogenic (PMID: 24684524). This variant is not present in population databases (gnomAD no frequency). This variant has not been reported in the literature in individuals affected with PLCB1-related conditions. For these reasons, this variant has been classified as Pathogenic.

Literature cited by the submitters: PubMed 24684524.

NM_015192.4(PLCB1):c.569del (p.Glu190fs)

Gene: PLCB1 (phospholipase C beta 1; plus strand). Cytogenetic location: 20p12.3.
Variant type: Deletion.
Coding change: c.569del on transcript NM_015192.4 (MANE Select); coding-DNA position 569, one base deleted (A; older notation c.569delA).
Protein change: p.Glu190fs; shifts the reading frame from glutamic acid 190.
Molecular consequence: frameshift variant.
Genome position (GRCh38, 1-based): chr20:8,649,424, A deleted. VCF-style (leftmost placement, unchanged base first): chr20-8649423-GA-G. GRCh37 (hg19) VCF-style: chr20-8630070-GA-G.
Other names: c.569del, p.Glu190fs (NM_182734.3); short protein forms E190fs.
Identifiers: ClinVar variation 3660331 (VCV003660331.2).